The following is an entry in ClinVar:

NM_007294.4(BRCA1):c.2751del (p.Lys918fs)

Gene: BRCA1 (BRCA1 DNA repair associated; minus strand). Cytogenetic location: 17q21.31.
Variant type: Deletion.
Coding change: c.2751del on transcript NM_007294.4 (MANE Select); coding-DNA position 2751, one base deleted (C; older notation c.2751delC).
Protein change: p.Lys918fs; shifts the reading frame from lysine 918.
Molecular consequence: frameshift variant. On other transcripts: intron variant (137).
Genome position (GRCh38, 1-based): chr17:43,092,780, G deleted on the plus strand (C on the coding strand, the reverse complement: BRCA1 is on the minus strand). VCF-style (leftmost placement, unchanged base first): chr17-43092779-TG-T. GRCh37 (hg19) VCF-style: chr17-41244796-TG-T.
Other names: 2870delC; c.2538del, p.Lys847fs (NM_001407571.1, NM_001407853.1, NM_001407894.1 and 9 more transcripts); c.2751del, p.Lys918fs (NM_001407581.1, NM_001407582.1, NM_001407583.1 and 30 more transcripts); c.2748del, p.Lys917fs (NM_001407587.1, NM_001407590.1, NM_001407591.1 and 22 more transcripts); c.2742del, p.Lys915fs (NM_001407646.1, NM_001407647.1); c.2628del, p.Lys877fs (NM_001407648.1, NM_001407664.1, NM_001407665.1 and 19 more transcripts); c.2625del, p.Lys876fs (NM_001407649.1, NM_001407670.1, NM_001407671.1 and 11 more transcripts); c.2673del, p.Lys892fs (NM_001407653.1, NM_001407654.1, NM_001407655.1 and 4 more transcripts); and 42 more; short protein forms K918fs, K871fs, K790fs, K877fs, K915fs, K917fs, K791fs, K829fs.
Identifiers: ClinVar variation 266299 (VCV000266299.9), dbSNP rs886040068, ClinGen allele CA10589817.

ClinVar aggregate classification (germline): Pathogenic. Review status: reviewed by expert panel (3 of 4 stars). 5 submissions from 5 submitters: Pathogenic (1). 4 of the submissions do not count toward it. Last evaluated 2016-10-18.

Conditions:
Hereditary breast ovarian cancer syndrome. Also called: Hereditary breast and ovarian cancer syndrome (HBOC); Breast and ovarian cancer; Hereditary breast and ovarian cancer syndrome; Hereditary breast and ovarian cancer; BRCA1- and BRCA2-Associated Hereditary Breast and Ovarian Cancer; Hereditary breast and/or ovarian cancer syndrome. Identifiers: Orphanet 145, MedGen C0677776, MeSH D061325, MONDO:0003582. Disease mechanism: loss of function.
Breast-ovarian cancer, familial, susceptibility to, 1 (BROVCA1). Also called: BRCA1 Hereditary Breast and Ovarian Cancer; OVARIAN CANCER, SUSCEPTIBILITY TO. Identifiers: Orphanet 145, MedGen C2676676, MONDO:0011450, OMIM 604370. Disease mechanism: loss of function.
Hereditary cancer-predisposing syndrome. Also called: Hereditary Cancer Syndrome; Neoplastic Syndromes, Hereditary; Hereditary neoplastic syndrome; Tumor predisposition. Identifiers: Orphanet 140162, MedGen C0027672, MeSH D009386, MONDO:0015356.

Submissions (5):

Evidence-based Network for the Interpretation of Germline Mutant Alleles (ENIGMA)
Classification: Pathogenic for Breast-ovarian cancer, familial, susceptibility to, 1. Last evaluated: 2016-10-18. Review status: reviewed by expert panel. Criteria: ENIGMA BRCA1/2 Classification Criteria (2015). Collection method: curation. Allele origin: germline.
Comment: Variant allele predicted to encode a truncated non-functional protein.

Ambry Genetics
Classification: Pathogenic for Hereditary cancer-predisposing syndrome. Last evaluated: 2025-07-02. Review status: criteria provided, single submitter. Criteria: Ambry Variant Classification Scheme 2023. Collection method: clinical testing. Allele origin: germline. Not counted in ClinVar's aggregate classification.
Comment: The c.2751delC pathogenic mutation, located in coding exon 9 of the BRCA1 gene, results from a deletion of one nucleotide at nucleotide position 2751, causing a translational frameshift with a predicted alternate stop codon (p.K918Sfs*82). This variant was reported in individuals with triple negative breast cancer and epithelial ovarian cancer (Wang X et al. Mol Genet Genomic Med, 2019 Jun;7:e677; Li W et al. J Ovarian Res, 2019 Aug;12:80; Huang X et al. Front Oncol, 2020 Oct;10:583314). This variant is considered to be rare based on population cohorts in the Genome Aggregation Database (gnomAD). In addition to the clinical data presented in the literature, this alteration is expected to result in loss of function by premature protein truncation or nonsense-mediated mRNA decay. As such, this alteration is interpreted as a disease-causing mutation.

GeneDx
Classification: Pathogenic. Last evaluated: 2024-06-13. Review status: criteria provided, single submitter. Criteria: GeneDx Variant Classification Process June 2021. Collection method: clinical testing. Allele origin: germline. Affected: yes. Not counted in ClinVar's aggregate classification.
Comment: Frameshift variant predicted to result in protein truncation or nonsense mediated decay in a gene for which loss of function is a known mechanism of disease; Not observed at significant frequency in large population cohorts (gnomAD); Truncating variants in this gene are considered pathogenic by a well-established clinical consortium and/or database; Also known as 2870del; This variant is associated with the following publications: (PMID: 30968603, 31472684, 36385461, 33194720)

Consortium of Investigators of Modifiers of BRCA1/2 (CIMBA), c/o University of Cambridge
Classification: Pathogenic for Breast-ovarian cancer, familial, susceptibility to, 1. Last evaluated: 2015-10-02. Review status: criteria provided, single submitter. Criteria: CIMBA Mutation Classification guidelines May 2016. Collection method: clinical testing. Allele origin: germline. Not counted in ClinVar's aggregate classification.

Research Molecular Genetics Laboratory, Women's College Hospital, University of Toronto
Classification: Pathogenic for Hereditary breast ovarian cancer syndrome. Last evaluated: 2014-01-31. Review status: no assertion criteria provided. Collection method: research. Allele origin: germline. Affected: yes. Study: The Canadian Open Genetics Repository (COGR). Not counted in ClinVar's aggregate classification.

Literature cited by the submitters: PubMed 30968603 (cited by Ambry Genetics); PubMed 31472684 (cited by Ambry Genetics); PubMed 33194720 (cited by Ambry Genetics).